The following is an entry in ClinVar:

ClinVar aggregate classification (germline): Pathogenic/Likely pathogenic. Review status: criteria provided, multiple submitters, no conflicts (2 of 4 stars). 3 submissions from 3 submitters: Pathogenic (1); Likely pathogenic (1). 1 of the submissions does not count toward it. Last evaluated 2026-01-26.

Conditions:
Bloom syndrome (BLM). Also called: Bloom-Torre-Machacek syndrome. Identifiers: Orphanet 125, MedGen C0005859, MONDO:0008876, OMIM 210900.

Submissions (3):

Labcorp Genetics (formerly Invitae), Labcorp
Classification: Pathogenic for Bloom syndrome. Last evaluated: 2026-01-26. Review status: criteria provided, single submitter. Criteria: Invitae Variant Classification Sherloc (09022015). Collection method: clinical testing. Allele origin: germline.
Comment: This sequence change creates a premature translational stop signal (p.Gln585Asnfs*33) in the BLM gene. It is expected to result in an absent or disrupted protein product. Loss-of-function variants in BLM are known to be pathogenic (PMID: 17407155). This variant is not present in population databases (gnomAD no frequency). This premature translational stop signal has been observed in individual(s) with breast cancer (PMID: 28724667). ClinVar contains an entry for this variant (Variation ID: 555356). For these reasons, this variant has been classified as Pathogenic.

GeneDx
Classification: Likely pathogenic. Last evaluated: 2024-08-11. Review status: criteria provided, single submitter. Criteria: GeneDx Variant Classification Process June 2021. Collection method: clinical testing. Allele origin: germline. Affected: yes.
Comment: Frameshift variant predicted to result in protein truncation or nonsense mediated decay in a gene for which loss of function is a known mechanism of disease; Not observed at significant frequency in large population cohorts (gnomAD); Observed in individual(s) with breast cancer (PMID: 28724667); This variant is associated with the following publications: (PMID: 28724667, 35273153)

Counsyl
Classification: Likely pathogenic for Bloom syndrome. Last evaluated: 2017-12-01. Review status: no assertion criteria provided. Collection method: clinical testing. Allele origin: unknown. Not counted in ClinVar's aggregate classification.

Literature cited by the submitters: PubMed 17407155 (cited by Labcorp Genetics (formerly Invitae), Labcorp); PubMed 28724667 (cited by Labcorp Genetics (formerly Invitae), Labcorp).

NM_000057.4(BLM):c.1752del (p.Gln585fs)

Gene: BLM (BLM RecQ like helicase; plus strand). Cytogenetic location: 15q26.1.
Variant type: Deletion.
Coding change: c.1752del on transcript NM_000057.4 (MANE Select); coding-DNA position 1752, one base deleted (T; older notation c.1752delT).
Protein change: p.Gln585fs; shifts the reading frame from glutamine 585.
Molecular consequence: frameshift variant.
Genome position (GRCh38, 1-based): chr15:90,761,125, T deleted. VCF-style (leftmost placement, unchanged base first): chr15-90761124-AT-A. GRCh37 (hg19) VCF-style: chr15-91304354-AT-A.
Other names: c.1752del (LRG_20t1, NM_000057.2); c.1752del, p.Gln585fs (NM_001287246.2, NM_001287247.2); c.627del, p.Gln210fs (NM_001287248.2); c.1752delT (NM_000057.2); short protein forms Q585fs, Q210fs.
Identifiers: ClinVar variation 555356 (VCV000555356.8), dbSNP rs1555419961, ClinGen allele CA658824616.
Genomic context (GRCh38, chr15:90,761,124, plus strand): 5'-ATGATGACTGGGAAGACATAATGCATAATTTAGCAGCCAGCAAATCTTCCACAGCTGCCT[AT>A]CAACCCATCAAGGAAGGTCGGCCAATTAAATCAGTATCAGAAAGACTTTCCTCAGCCAAG-3'